The following is an entry in ClinVar:

ClinVar aggregate classification (germline): Uncertain significance. Review status: criteria provided, multiple submitters, no conflicts (2 of 4 stars). 2 submissions from 2 submitters: Uncertain significance (2). Last evaluated 2022-10-17.

Conditions:
Andersen Tawil syndrome (LQT7). Also called: Andersen Syndrome; LONG QT SYNDROME 7; PERIODIC PARALYSIS, POTASSIUM-SENSITIVE CARDIODYSRHYTHMIC TYPE; ANDERSEN CARDIODYSRHYTHMIC PERIODIC PARALYSIS; Potassium-sensitive periodic paralysis, ventricular ectopy, and dysmorphic features. Identifiers: Orphanet 37553, MedGen C1563715, MONDO:0008222, OMIM 170390.
Short QT syndrome type 3. Identifiers: Orphanet 51083, MedGen C1865018, MONDO:0012314, OMIM 609622.

Allele frequency attached by ClinVar (database versions not stated): gnomAD exomes below 0.00001; TOPMed below 0.00001.
gnomAD v4.1: 2 of 1,614,158 alleles (0.00012%); highest among the groups gnomAD compares: Non-Finnish European, 0.00017%; no homozygotes.

Submissions (2):

Labcorp Genetics (formerly Invitae), Labcorp
Classification: Uncertain significance for Short QT syndrome type 3; Andersen Tawil syndrome. Last evaluated: 2022-10-17. Review status: criteria provided, single submitter. Criteria: Invitae Variant Classification Sherloc (09022015). Collection method: clinical testing. Allele origin: germline.
Comment: This sequence change replaces arginine, which is basic and polar, with cysteine, which is neutral and slightly polar, at codon 46 of the KCNJ2 protein (p.Arg46Cys). This variant is not present in population databases (gnomAD no frequency). This variant has not been reported in the literature in individuals affected with KCNJ2-related conditions. ClinVar contains an entry for this variant (Variation ID: 1436343). Advanced modeling of protein sequence and biophysical properties (such as structural, functional, and spatial information, amino acid conservation, physicochemical variation, residue mobility, and thermodynamic stability) performed at Invitae indicates that this missense variant is expected to disrupt KCNJ2 protein function. In summary, the available evidence is currently insufficient to determine the role of this variant in disease. Therefore, it has been classified as a Variant of Uncertain Significance.

Blueprint Genetics
Classification: Uncertain significance. Last evaluated: 2022-02-22. Review status: criteria provided, single submitter. Criteria: ACMG Guidelines, 2015. Collection method: clinical testing. Allele origin: germline.

NM_000891.3(KCNJ2):c.136C>T (p.Arg46Cys)

Gene: KCNJ2 (potassium inwardly rectifying channel subfamily J member 2; plus strand). Cytogenetic location: 17q24.3.
Variant type: single nucleotide variant.
Coding change: c.136C>T on transcript NM_000891.3 (MANE Select); coding-DNA position 136, C replaced by T.
Protein change: p.Arg46Cys; replaces arginine 46 with cysteine.
Molecular consequence: missense variant.
Genome position (GRCh38, 1-based): chr17:70,175,175, C>T. VCF-style: chr17-70175175-C-T. GRCh37 (hg19) VCF-style: chr17-68171316-C-T.
Other names: short protein forms R46C.
Identifiers: ClinVar variation 1436343 (VCV001436343.10), dbSNP rs2074385043, ClinGen allele CA400859943.